The following is an entry in ClinVar:

NM_000038.6(APC):c.2913T>C (p.Asp971=)

Gene: APC (APC regulator of Wnt signaling pathway; plus strand). Cytogenetic location: 5q22.2.
Variant type: single nucleotide variant.
Coding change: c.2913T>C on transcript NM_000038.6 (MANE Select); coding-DNA position 2913, T replaced by C.
Protein change: p.Asp971=; no amino-acid change (aspartic acid 971 retained).
Molecular consequence: synonymous variant.
Genome position (GRCh38, 1-based): chr5:112,838,507, T>C. VCF-style: chr5-112838507-T-C. GRCh37 (hg19) VCF-style: chr5-112174204-T-C.
Other names: c.2913T>C, p.Asp971= (NM_001127510.3, NM_001354895.2); c.2859T>C, p.Asp953= (NM_001127511.3); c.2967T>C, p.Asp989= (NM_001354896.2); c.2943T>C, p.Asp981= (NM_001354897.2); c.2838T>C, p.Asp946= (NM_001354898.2); c.2829T>C, p.Asp943= (NM_001354899.2); c.2790T>C, p.Asp930= (NM_001354900.2); c.2736T>C, p.Asp912= (NM_001354901.2); and 5 more.
Identifiers: ClinVar variation 821980 (VCV000821980.14), dbSNP rs917767842, ClinGen allele CA125167770.
Genomic context (GRCh38, chr5:112,838,507, plus strand): 5'-TGCCAAATTAGAATACAAGAGATCTTCAAATGATAGTTTAAATAGTGTCAGTAGTAGTGA[T>C]GGTTATGGTAAAAGAGGTCAAATGAAACCCTCGATTGAATCCTATTCTGAAGATGATGAA-3'
Protein context (NP_000029.2, residues 961-981): NDSLNSVSSS[Asp971=]GYGKRGQMKP

ClinVar aggregate classification (germline): Benign/Likely benign. Review status: criteria provided, multiple submitters, no conflicts (2 of 4 stars). 3 submissions from 3 submitters: Benign (1); Likely benign (2). Last evaluated 2025-04-23.

Conditions:
Familial adenomatous polyposis 1 (FAP1). Also called: FAMILIAL ADENOMATOUS POLYPOSIS 1, ATTENUATED; POLYPOSIS, ADENOMATOUS INTESTINAL. Identifiers: MedGen C2713442, MONDO:0021056, OMIM 175100. Disease mechanism: loss of function.
Hereditary cancer-predisposing syndrome. Also called: Tumor predisposition; Hereditary Cancer Syndrome; Neoplastic Syndromes, Hereditary; Hereditary neoplastic syndrome. Identifiers: Orphanet 140162, MedGen C0027672, MeSH D009386, MONDO:0015356.

Allele frequency attached by ClinVar (database versions not stated): gnomAD exomes below 0.00001.
gnomAD v4.1: 2 of 1,614,220 alleles (0.00012%); highest among the groups gnomAD compares: Middle Eastern, 0.016%; no homozygotes.

Submissions (3):

Labcorp Genetics (formerly Invitae), Labcorp
Classification: Likely benign for Familial adenomatous polyposis 1. Last evaluated: 2025-04-23. Review status: criteria provided, single submitter. Criteria: Invitae Variant Classification Sherloc (09022015). Collection method: clinical testing. Allele origin: germline.

Myriad Genetics, Inc.
Classification: Benign for Familial adenomatous polyposis 1. Last evaluated: 2024-03-15. Review status: criteria provided, single submitter. Criteria: Myriad Autosomal Dominant, Autosomal Recessive and X-Linked Classification Criteria (2023). Collection method: clinical testing. Allele origin: unknown.
Comment: This variant is considered benign. This variant is a silent/synonymous amino acid change and it is not expected to impact splicing.

Ambry Genetics
Classification: Likely benign for Hereditary cancer-predisposing syndrome. Last evaluated: 2019-07-22. Review status: criteria provided, single submitter. Criteria: Ambry Variant Classification Scheme 2023. Collection method: clinical testing. Allele origin: germline.